The following is an entry in ClinVar:

ClinVar aggregate classification (germline): Conflicting classifications of pathogenicity. Review status: criteria provided, conflicting classifications (1 of 4 stars). 4 submissions from 2 submitters: Uncertain significance (3); Likely benign (1). Last evaluated 2018-01-12.

Conditions:
Myhre syndrome (MYHRS). Also called: LARYNGOTRACHEAL STENOSIS, ARTHROPATHY, PROGNATHISM, AND SHORT STATURE; LAPS SYNDROME. Identifiers: Orphanet 2588, MedGen C0796081, MONDO:0007688, OMIM 139210.
Juvenile polyposis/hereditary hemorrhagic telangiectasia syndrome (JPHT). Also called: JP/HHT SYNDROME; JUVENILE POLYPOSIS WITH HEREDITARY HEMORRHAGIC TELANGIECTASIA; POLYPOSIS, GENERALIZED JUVENILE, WITH PULMONARY ARTERIOVENOUS MALFORMATION; TELANGIECTASIA, HEREDITARY HEMORRHAGIC, WITH JUVENILE POLYPOSIS COLI; Juvenile Polyposis Syndrome / Hereditary Hemorrhagic Telangiectasia (JPS/HHT). Identifiers: Orphanet 2929, MedGen C1832942, MONDO:0008278, OMIM 175050.
Generalized juvenile polyposis/juvenile polyposis coli. Also called: Juvenile polyposis coli. Identifiers: Orphanet 329971, MedGen C1868081, MONDO:0008276.

Allele frequency attached by ClinVar (database versions not stated): TOPMed below 0.00001; gnomAD 0.00001.

Submissions (4):

Illumina Laboratory Services, Illumina
Classification: Uncertain significance for Myhre syndrome. Last evaluated: 2018-01-12. Review status: criteria provided, single submitter. Criteria: ICSL Variant Classification Criteria 13 December 2019. Collection method: clinical testing. Allele origin: germline.

Illumina Laboratory Services, Illumina
Classification: Uncertain significance for Juvenile polyposis syndrome. Last evaluated: 2018-01-12. Review status: criteria provided, single submitter. Criteria: ICSL Variant Classification Criteria 13 December 2019. Collection method: clinical testing. Allele origin: germline.

Illumina Laboratory Services, Illumina
Classification: Uncertain significance for Juvenile polyposis/hereditary hemorrhagic telangiectasia syndrome. Last evaluated: 2018-01-12. Review status: criteria provided, single submitter. Criteria: ICSL Variant Classification Criteria 13 December 2019. Collection method: clinical testing. Allele origin: germline.

GeneDx
Classification: Likely benign. Last evaluated: 2017-09-11. Review status: criteria provided, single submitter. Criteria: GeneDx Variant Classification (06012015). Collection method: clinical testing. Allele origin: germline. Affected: yes.
Comment: This variant is considered likely benign or benign based on one or more of the following criteria: it is a conservative change, it occurs at a poorly conserved position in the protein, it is predicted to be benign by multiple in silico algorithms, and/or has population frequency not consistent with disease.

NM_005359.6(SMAD4):c.-128+12A>G

Gene: SMAD4 (SMAD family member 4; plus strand). Cytogenetic location: 18q21.2.
Variant type: single nucleotide variant.
Coding change: c.-128+12A>G on transcript NM_005359.6 (MANE Select); 12 bases into the intron after 128 bases upstream of the start codon, A replaced by G.
Molecular consequence: intron variant.
Genome position (GRCh38, 1-based): chr18:51,030,635, A>G. VCF-style: chr18-51030635-A-G. GRCh37 (hg19) VCF-style: chr18-48557005-A-G.
Identifiers: ClinVar variation 327107 (VCV000327107.5), dbSNP rs886053891, ClinGen allele CA10651749.